The following is an entry in ClinVar:

ClinVar aggregate classification (germline): Uncertain significance (1 of 4 stars; one submission).

Conditions:
Maple syrup urine disease (MSUD). Identifiers: Orphanet 511, MedGen C0024776, MeSH D008375, MONDO:0009563. Disease mechanism: loss of function.

Allele frequency attached by ClinVar (database versions not stated): gnomAD exomes below 0.00001.
gnomAD v4.1: 1 of 1,614,066 alleles (0.000062%); highest among the groups gnomAD compares: Non-Finnish European, 0.000085%; no homozygotes.

Submission:

Labcorp Genetics (formerly Invitae), Labcorp
Classification: Uncertain significance for Maple syrup urine disease. Last evaluated: 2023-05-08. Review status: criteria provided, single submitter. Criteria: Invitae Variant Classification Sherloc (09022015). Collection method: clinical testing. Allele origin: germline.
Comment: This variant is not present in population databases (gnomAD no frequency). This sequence change replaces alanine, which is neutral and non-polar, with valine, which is neutral and non-polar, at codon 226 of the BCKDHA protein (p.Ala226Val). ClinVar contains an entry for this variant (Variation ID: 1946877). This variant has not been reported in the literature in individuals affected with BCKDHA-related conditions. Advanced modeling of protein sequence and biophysical properties (such as structural, functional, and spatial information, amino acid conservation, physicochemical variation, residue mobility, and thermodynamic stability) performed at Invitae indicates that this missense variant is not expected to disrupt BCKDHA protein function. In summary, the available evidence is currently insufficient to determine the role of this variant in disease. Therefore, it has been classified as a Variant of Uncertain Significance.

NM_000709.4(BCKDHA):c.677C>T (p.Ala226Val)

Gene: BCKDHA (branched chain keto acid dehydrogenase E1 subunit alpha; plus strand). Cytogenetic location: 19q13.2.
Variant type: single nucleotide variant.
Coding change: c.677C>T on transcript NM_000709.4 (MANE Select); coding-DNA position 677, C replaced by T.
Protein change: p.Ala226Val; replaces alanine 226 with valine.
Molecular consequence: missense variant.
Genome position (GRCh38, 1-based): chr19:41,422,194, C>T. VCF-style: chr19-41422194-C-T. GRCh37 (hg19) VCF-style: chr19-41928099-C-T.
Other names: c.677C>T, p.Ala226Val (NM_001164783.2); short protein forms A226V.
Identifiers: ClinVar variation 1946877 (VCV001946877.5), dbSNP rs2513459673, ClinGen allele CA406012716.